The following is an entry in ClinVar:

NM_000277.3(PAH):c.869A>G (p.His290Arg)

Genes: PAH (phenylalanine hydroxylase; minus strand), LOC126861615 (CDK7 strongly-dependent group 2 enhancer GRCh37_chr12:103244689-103245888; plus strand). Cytogenetic location: 12q23.2.
Variant type: single nucleotide variant.
Coding change: c.869A>G on transcript NM_000277.3 (MANE Select); coding-DNA position 869, A replaced by G.
Protein change: p.His290Arg; replaces histidine 290 with arginine.
Molecular consequence: missense variant.
Genome position (GRCh38, 1-based): chr12:102,851,730, T>C on the plus strand (A>G on the coding strand, the complement: PAH is on the minus strand). VCF-style: chr12-102851730-T-C. GRCh37 (hg19) VCF-style: chr12-103245508-T-C.
Other names: c.869A>G, p.His290Arg (NM_001354304.2); short protein forms H290R.
Identifiers: ClinVar variation 102883 (VCV000102883.2), dbSNP rs62642919, ClinGen allele CA229832.

ClinVar aggregate classification (germline): Uncertain significance. Review status: reviewed by expert panel (3 of 4 stars). 2 submissions from 2 submitters: Uncertain significance (1). 1 of the submissions does not count toward it. Last evaluated 2021-03-21.

Conditions:
Phenylketonuria (PKU). Also called: Phenylketonuria (PKU); FOLLING DISEASE; OLIGOPHRENIA PHENYLPYRUVICA; Phenylketonurias. Identifiers: Orphanet 716, MedGen C0031485, MONDO:0009861, OMIM 261600. Disease mechanism: loss of function.

Submissions (2):

ClinGen PAH Variant Curation Expert Panel
Classification: Uncertain significance for Phenylketonuria. Last evaluated: 2021-03-21. Review status: reviewed by expert panel. Criteria: ClinGen PAH ACMG Specifications v1. Collection method: curation. Allele origin: germline. Inheritance: Autosomal recessive inheritance.
Comment: A deleterious effect is predicted by multiple lines of computational evidence. In summary, this variant meets criteria to be classified as uncertain significance for PAH. PAH-specific ACMG/AMP criteria applied: PP4, PM2, PP3.

DeBelle Laboratory for Biochemical Genetics, MUHC/MCH RESEARCH INSTITUTE
No classification provided. Review status: no classification provided. Collection method: not provided. Allele origin: not provided. Not counted in ClinVar's aggregate classification.